The following is an entry in ClinVar:

ClinVar aggregate classification (germline): Pathogenic (1 of 4 stars; one submission).

Submission:

Labcorp Genetics (formerly Invitae), Labcorp
Classification: Pathogenic. Last evaluated: 2023-04-06. Review status: criteria provided, single submitter. Criteria: Invitae Variant Classification Sherloc (09022015). Collection method: clinical testing. Allele origin: unknown.
Comment: This variant has not been reported in the literature in individuals affected with OCA2-related conditions. For these reasons, this variant has been classified as Pathogenic. This variant is a gross deletion of the genomic region encompassing exon(s) 17-19 of the OCA2 gene. This deletion is out-of-frame, and is expected to create a premature termination codon and result in an absent or disrupted protein product. Loss-of-function variants in OCA2 are known to be pathogenic (PMID: 19865097, 21541274).

Literature cited by the submitters: PubMed 19865097; PubMed 21541274.

NC_000015.9:g.(?_28171253)_(28200381_?)del

Gene: OCA2 (OCA2 melanosomal transmembrane protein; minus strand). Cytogenetic location: 15q13.1.
Variant type: Deletion.
Identifiers: ClinVar variation 3243841 (VCV003243841.1).